The following is an entry in ClinVar:

ClinVar aggregate classification (germline): Likely pathogenic (1 of 4 stars; one submission).

Conditions:
Joubert syndrome 37. Identifiers: MedGen C5543064, MONDO:0030933, OMIM 619185.

Submission:

Neuberg Centre For Genomic Medicine, NCGM
Classification: Likely pathogenic for Joubert syndrome 37. Review status: criteria provided, single submitter. Criteria: ACMG Guidelines, 2015. Collection method: clinical testing. Allele origin: germline. Inheritance: Autosomal recessive inheritance. Affected: yes.
Comment: The observed splice donor variant c.4969+2T>A in TOGARAM1 gene has not been reported previously as a pathogenic variant nor as a benign variant, to our knowledge. The c.4969+2T>A variant is absent in gnomAD Exomes. The variant is predicted to be damaging by SpliceAI Prediction. This variant is predicted to cause loss of normal protein function through protein truncation. Loss of function variants have been previously reported to be disease causing (Morbidoni V, et al., 2021). For these reasons, this variant has been classified as Likely Pathogenic.

NM_001308120.2(TOGARAM1):c.4969+2T>A

Gene: TOGARAM1 (TOG array regulator of axonemal microtubules 1; plus strand). Cytogenetic location: 14q21.2.
Variant type: single nucleotide variant.
Coding change: c.4969+2T>A on transcript NM_001308120.2 (MANE Select); the canonical splice donor site of the intron after coding-DNA position 4969, T replaced by A.
Molecular consequence: splice donor variant.
Genome position (GRCh38, 1-based): chr14:45,068,645, T>A. VCF-style: chr14-45068645-T-A. GRCh37 (hg19) VCF-style: chr14-45537848-T-A.
Other names: c.4810+2T>A (NM_015091.4).
Identifiers: ClinVar variation 3362854 (VCV003362854.3).